The following is an entry in ClinVar:

NM_005334.3(HCFC1):c.5772C>T (p.Ser1924=)

Gene: HCFC1 (host cell factor C1; minus strand). Cytogenetic location: Xq28.
Variant type: single nucleotide variant.
Coding change: c.5772C>T on transcript NM_005334.3 (MANE Select); coding-DNA position 5772, C replaced by T.
Protein change: p.Ser1924=; no amino-acid change (serine 1924 retained).
Molecular consequence: synonymous variant.
Genome position (GRCh38, 1-based): chrX:153,950,475, G>A on the plus strand (C>T on the coding strand, the complement: HCFC1 is on the minus strand). VCF-style: chrX-153950475-G-A. GRCh37 (hg19) VCF-style: chrX-153215926-G-A.
Other names: c.5907C>T, p.Ser1969= (NM_001410705.1).
Identifiers: ClinVar variation 2074857 (VCV002074857.9), dbSNP rs782090098, ClinGen allele CA10556728.
Genomic context (GRCh38, chrX:153,950,475, plus strand): 5'-GGCCGGGGTGGAGCTCTTGAGCTCGCCCCCAGCCTGTGAGCTCTGGATGGCCAGGTACAC[G>A]GAGTACTCGATAATCTTGCCGGAGGTCACAGAGGGTGGCTCCCAGGTGAGGTGAGCACCA-3'
Protein context (NP_005325.2, residues 1914-1934): SVTSGKIIEY[Ser1924=]VYLAIQSSQA

ClinVar aggregate classification (germline): Benign/Likely benign. Review status: criteria provided, multiple submitters, no conflicts (2 of 4 stars). 2 submissions from 2 submitters: Benign (1); Likely benign (1). Last evaluated 2025-12-14.

Conditions:
Methylmalonic acidemia with homocystinuria, type cblX (MAHCX). Also called: INTELLECTUAL DEVELOPMENTAL DISORDER, X-LINKED 3. Identifiers: Orphanet 369962, MedGen C0796208, MONDO:0010657, OMIM 309541.

gnomAD v4.1: 41 of 1,195,683 alleles (0.0034%); highest among the groups gnomAD compares: Admixed American, 0.047%; no homozygotes.

Submissions (2):

Labcorp Genetics (formerly Invitae), Labcorp
Classification: Benign for Methylmalonic acidemia with homocystinuria, type cblX. Last evaluated: 2025-12-14. Review status: criteria provided, single submitter. Criteria: Invitae Variant Classification Sherloc (09022015). Collection method: clinical testing. Allele origin: germline.

CeGaT Center for Human Genetics Tuebingen
Classification: Likely benign. Last evaluated: 2025-12-01. Review status: criteria provided, single submitter. Criteria: CeGaT Center For Human Genetics Tuebingen Variant Classification Criteria Version 2. Collection method: clinical testing. Allele origin: germline. Affected: yes. Observed: 1 variant allele.
Comment: HCFC1: BP4, BP7, BS2